The following is an entry in ClinVar:

NM_000321.3(RB1):c.876T>C (p.Tyr292=)

Gene: RB1 (RB transcriptional corepressor 1; plus strand). Cytogenetic location: 13q14.2.
Variant type: single nucleotide variant.
Coding change: c.876T>C on transcript NM_000321.3 (MANE Select); coding-DNA position 876, T replaced by C.
Protein change: p.Tyr292=; no amino-acid change (tyrosine 292 retained).
Molecular consequence: synonymous variant.
Genome position (GRCh38, 1-based): chr13:48,364,908, T>C. VCF-style: chr13-48364908-T-C. GRCh37 (hg19) VCF-style: chr13-48939044-T-C.
Identifiers: ClinVar variation 1082896 (VCV001082896.16), dbSNP rs2138116341, ClinGen allele CA483558001.

ClinVar aggregate classification (germline): Benign/Likely benign. Review status: criteria provided, multiple submitters, no conflicts (2 of 4 stars). 4 submissions from 4 submitters: Benign (1); Likely benign (3). Last evaluated 2026-06-24.

Conditions:
Hereditary cancer-predisposing syndrome. Also called: Neoplastic Syndromes, Hereditary; Tumor predisposition; Hereditary neoplastic syndrome; Hereditary Cancer Syndrome. Identifiers: Orphanet 140162, MedGen C0027672, MeSH D009386, MONDO:0015356.
Retinoblastoma (RB1). Also called: RETINOBLASTOMA, SOMATIC. Identifiers: Orphanet 790, MedGen C0035335, MeSH D012175, MONDO:0008380, OMIM 180200, HP:0009919. Disease mechanism: loss of function. Inheritance: Both sporadic and heritable forms are tested..

Submissions (4):

Myriad Genetics, Inc.
Classification: Benign for Retinoblastoma. Last evaluated: 2026-06-24. Review status: criteria provided, single submitter. Criteria: Myriad Autosomal Dominant, Autosomal Recessive and X-Linked Classification Criteria (2023). Collection method: clinical testing. Allele origin: unknown.
Comment: This variant is considered benign. This variant is a silent/synonymous amino acid change and it is not expected to impact splicing.

CeGaT Center for Human Genetics Tuebingen
Classification: Likely benign. Last evaluated: 2025-12-01. Review status: criteria provided, single submitter. Criteria: CeGaT Center For Human Genetics Tuebingen Variant Classification Criteria Version 2. Collection method: clinical testing. Allele origin: germline. Affected: yes. Observed: 1 variant allele.
Comment: RB1: PM2:Supporting, BP4, BP7

Labcorp Genetics (formerly Invitae), Labcorp
Classification: Likely benign for Retinoblastoma. Last evaluated: 2025-07-22. Review status: criteria provided, single submitter. Criteria: Invitae Variant Classification Sherloc (09022015). Collection method: clinical testing. Allele origin: germline.

Ambry Genetics
Classification: Likely benign for Hereditary cancer-predisposing syndrome. Last evaluated: 2021-06-23. Review status: criteria provided, single submitter. Criteria: Ambry Variant Classification Scheme 2023. Collection method: clinical testing. Allele origin: germline.